The following is an entry in ClinVar:

NM_016507.4(CDK12):c.1270C>T (p.Pro424Ser)

Gene: CDK12 (cyclin dependent kinase 12; plus strand). Cytogenetic location: 17q12.
Variant type: single nucleotide variant.
Coding change: c.1270C>T on transcript NM_016507.4 (MANE Select); coding-DNA position 1270, C replaced by T.
Protein change: p.Pro424Ser; replaces proline 424 with serine.
Molecular consequence: missense variant.
Genome position (GRCh38, 1-based): chr17:39,471,102, C>T. VCF-style: chr17-39471102-C-T. GRCh37 (hg19) VCF-style: chr17-37627355-C-T.
Other names: c.1270C>T, p.Pro424Ser (NM_015083.4); short protein forms P424S.
Identifiers: ClinVar variation 4651481 (VCV004651481.1).
Genomic context (GRCh38, chr17:39,471,102, plus strand): 5'-AAGGAAAGAGCAGCTGCTGCTGCTGCAGCAAAGATGGATGGAAAGGAGTCCAAGGGTTCA[C>T]CTGTATTTTTGCCTAGAAAAGAGAACAGTTCAGTAGAGGCTAAGGATTCAGGTTTGGAGT-3'
Protein context (NP_057591.2, residues 414-434): KMDGKESKGS[Pro424Ser]VFLPRKENSS

ClinVar aggregate classification (germline): Uncertain significance (1 of 4 stars; one submission).

gnomAD v4.1: 1 of 1,609,716 alleles (0.000062%); highest among the groups gnomAD compares: South Asian, 0.0011%; no homozygotes.

Submission:

Ambry Genetics
Classification: Uncertain significance. Last evaluated: 2025-12-07. Review status: criteria provided, single submitter. Criteria: Ambry Variant Classification Scheme 2023. Collection method: clinical testing. Allele origin: germline.
Comment: The p.P424S variant (also known as c.1270C>T), located in coding exon 2 of the CDK12 gene, results from a C to T substitution at nucleotide position 1270. The proline at codon 424 is replaced by serine, an amino acid with similar properties. This amino acid position is conserved. In addition, the in silico prediction for this alteration is inconclusive. Based on the available evidence, the clinical significance of this variant remains unclear.